The following is an entry in ClinVar:

ClinVar aggregate classification (germline): Likely pathogenic. Review status: reviewed by expert panel (3 of 4 stars). 2 submissions from 2 submitters: Likely pathogenic (1). 1 of the submissions does not count toward it. Last evaluated 2026-02-26.

Conditions:
Monogenic diabetes. Identifiers: Orphanet 183625, MedGen C3888631, MONDO:0015967.
Maturity-onset diabetes of the young type 3. Also called: MODY type 3; MODY, type III. Identifiers: Orphanet 552, MedGen C1838100, MeSH C563933, MONDO:0010894, OMIM 600496. Disease mechanism: loss of function.

Submissions (2):

ClinGen Monogenic Diabetes Variant Curation Expert Panel
Classification: Likely pathogenic for Monogenic diabetes. Last evaluated: 2026-02-26. Review status: reviewed by expert panel. Criteria: ClinGen Diabetes ACMG Specifications HNF1A V3.1.0. Collection method: curation. Allele origin: germline. Inheritance: Autosomal dominant inheritance.
Comment: The c.368T>C variant in the HNF1 homeobox A gene, HNF1A, causes an amino acid change of leucine to proline at codon 123 (p.(Leu123Pro)) of NM_000545.8. This variant is located within a conserved region of the DNA binding domain (codons 107-174 and 201-280) of HNF1A, which is defined as critical for the protein’s function by the ClinGen MDEP (PM1_Supporting). It is also predicted to be deleterious by computational evidence, with a REVEL score of 0.967, which is greater than the MDEP VCEP threshold of 0.70 (PP3). This variant is absent from gnomAD v2.1.1 and v4.1.0 (PM2_Supporting). This variant was identified in three unrelated individuals with non-autoimmune and non-absolute/near-absolute insulin-deficient diabetes; however, PS4_Moderate cannot be applied because this number is below the ClinGen MDEP threshold (PMID: 18433912, internal lab contributor, ClinVar ID 1327615). One of these individuals did have a clinical history highly specific for HNF1A-monogenic diabetes (MODY probability calculator result >50%, negative genetic testing for HNF4A, and negative diabetes autoantibodies) (PP4_Moderate; ClinVar ID 1327615). This variant segregated with diabetes with one informative meiosis in a single family; however, this does not meet the thresholds for PP1 set by the ClinGen MDEP (PMID: 27236918, PMID: 18433912). Another missense variant at the same residue, c.367C>G (p.Leu123Val), has been classified as likely pathogenic by the ClinGen MDEP (PM5_Supporting). In summary, c.368T>C meets the criteria to be classified as likely pathogenic for monogenic diabetes. ACMG/AMP criteria applied, as specified by the ClinGen MDEP (specification version 3.1.0, approved 10/10/2025): PM1_Supporting, PM2_Supporting, PP3, PP4_Moderate, PM5_Supporting.

Department of Human Genetics, Hannover Medical School
Classification: Likely pathogenic for Maturity-onset diabetes of the young type 3. Last evaluated: 2024-08-30. Review status: criteria provided, single submitter. Criteria: ACMG Guidelines, 2015. Collection method: clinical testing. Allele origin: germline. Affected: yes. Not counted in ClinVar's aggregate classification.

Literature cited by the submitters: PubMed 18433912 (cited by ClinGen Monogenic Diabetes Variant Curation Expert Panel).

NM_000545.8(HNF1A):c.368T>C (p.Leu123Pro)

Gene: HNF1A (HNF1 homeobox A; plus strand). Cytogenetic location: 12q24.31.
Variant type: single nucleotide variant.
Coding change: c.368T>C on transcript NM_000545.8 (MANE Select); coding-DNA position 368, T replaced by C.
Protein change: p.Leu123Pro; replaces leucine 123 with proline.
Molecular consequence: missense variant.
Genome position (GRCh38, 1-based): chr12:120,988,874, T>C. VCF-style: chr12-120988874-T-C. GRCh37 (hg19) VCF-style: chr12-121426677-T-C.
Other names: NM_001306179.2:c.368T>C; c.368T>C, p.Leu123Pro (NM_001306179.2); short protein forms L123P.
Identifiers: ClinVar variation 1327615 (VCV001327615.5), dbSNP rs2135832538, ClinGen allele CA386959158.